The following is an entry in ClinVar:

ClinVar aggregate classification (germline): Conflicting classifications of pathogenicity. Review status: criteria provided, conflicting classifications (1 of 4 stars). 2 submissions from 2 submitters: Likely pathogenic (1); Uncertain significance (1). Last evaluated 2025-10-02.

Allele frequency attached by ClinVar (database versions not stated): gnomAD exomes below 0.00001.
gnomAD v4.1: 1 of 1,613,974 alleles (0.000062%); highest among the groups gnomAD compares: Non-Finnish European, 0.000085%; no homozygotes.

Submissions (2):

Labcorp Genetics (formerly Invitae), Labcorp
Classification: Uncertain significance. Last evaluated: 2025-10-02. Review status: criteria provided, single submitter. Criteria: Invitae Variant Classification Sherloc (09022015). Collection method: clinical testing. Allele origin: germline.
Comment: This sequence change falls in intron 9 of the FOXP1 gene. It does not directly change the encoded amino acid sequence of the FOXP1 protein. It affects a nucleotide within the consensus splice site. This variant is not present in population databases (gnomAD no frequency). This variant has not been reported in the literature in individuals affected with FOXP1-related conditions. ClinVar contains an entry for this variant (Variation ID: 1187109). Variants that disrupt the consensus splice site are a relatively common cause of aberrant splicing (PMID: 17576681, 9536098). Algorithms developed to predict the effect of sequence changes on RNA splicing suggest that this variant is not likely to affect RNA splicing. In summary, the available evidence is currently insufficient to determine the role of this variant in disease. Therefore, it has been classified as a Variant of Uncertain Significance.

GeneDx
Classification: Likely pathogenic. Last evaluated: 2019-12-13. Review status: criteria provided, single submitter. Criteria: GeneDx Variant Classification Process June 2021. Collection method: clinical testing. Allele origin: germline. Affected: yes.
Comment: Not observed in large population cohorts (Lek et al., 2016); In silico analysis, which includes splice predictors and evolutionary conservation, supports a deleterious effect; Has not been previously published as pathogenic or benign to our knowledge

Literature cited by the submitters: PubMed 17576681 (cited by Labcorp Genetics (formerly Invitae), Labcorp); PubMed 9536098 (cited by Labcorp Genetics (formerly Invitae), Labcorp).

NM_001349338.3(FOXP1):c.511-3C>A

Gene: FOXP1 (forkhead box P1; minus strand). Cytogenetic location: 3p13.
Variant type: single nucleotide variant.
Coding change: c.511-3C>A on transcript NM_001349338.3 (MANE Select); 3 bases into the intron before coding-DNA position 511, C replaced by A.
Molecular consequence: intron variant.
Genome position (GRCh38, 1-based): chr3:71,047,098, G>T on the plus strand (C>A on the coding strand, the complement: FOXP1 is on the minus strand). VCF-style: chr3-71047098-G-T. GRCh37 (hg19) VCF-style: chr3-71096249-G-T.
Other names: c.511-3C>A (NM_001244810.2, NM_032682.6, NM_001349340.3 and 3 more transcripts); c.508-3C>A (NM_001349341.3); c.283-3C>A (NM_001244812.3); c.208-3C>A (NM_001349343.3, NM_001349337.2, NM_001349344.3); c.211-3C>A (NM_001349342.3, NM_001370548.1, NM_001244815.2 and 1 more transcripts).
Identifiers: ClinVar variation 1187109 (VCV001187109.5), dbSNP rs778983019, ClinGen allele CA2499216981.